The following is an entry in ClinVar:

ClinVar aggregate classification (germline): Uncertain significance. Review status: criteria provided, multiple submitters, no conflicts (2 of 4 stars). 4 submissions from 4 submitters: Uncertain significance (4). Last evaluated 2025-01-07.

Conditions:
MASS syndrome (OCTD). Also called: OVERLAP CONNECTIVE TISSUE DISEASE; MASS PHENOTYPE. Identifiers: MedGen C1858556, MONDO:0011431, OMIM 604308.
Progeroid and marfanoid aspect-lipodystrophy syndrome. Also called: MARFANOID-PROGEROID SYNDROME; MARFAN-PROGEROID-LIPODYSTROPHY SYNDROME; Marfan lipodystrophy syndrome; MARFANOID-PROGEROID-LIPODYSTROPHY SYNDROME. Identifiers: Orphanet 300382, MedGen C4310796, MONDO:0014831, OMIM 616914.
Ectopia lentis 1, isolated, autosomal dominant (ECTOL1). Identifiers: Orphanet 1885, MedGen C3541518, MONDO:0007514, OMIM 129600.
Weill-Marchesani syndrome 2, dominant. Also called: Weill-Marchesani Syndrome, Autosomal Dominant; FBN1-Related Weill-Marchesani Syndrome. Identifiers: Orphanet 2084, MedGen C1869115, MONDO:0012013, OMIM 608328.
Acromicric dysplasia (ACMICD). Also called: Acromicric skeletal dysplasia. Identifiers: Orphanet 969, MedGen C0265287, MONDO:0007055, OMIM 102370.
Geleophysic dysplasia 2 (GPHYSD2). Identifiers: Orphanet 2623, MedGen C3280054, MONDO:0013612, OMIM 614185.
Stiff skin syndrome (SSKS). Identifiers: Orphanet 2833, MedGen C1861456, MONDO:0008492, OMIM 184900.
Marfan syndrome (MFS). Also called: Marfan syndrome type 1; Marfan syndrome, classic; Marfan's syndrome; FBN1-Related Marfan Syndrome; MARFAN SYNDROME, TYPE I. Identifiers: Orphanet 284963, Orphanet 558, MedGen C0024796, MONDO:0007947, OMIM 154700.
Familial thoracic aortic aneurysm and aortic dissection (TAAD). Also called: Thoracic aortic aneurysms and dissections. Identifiers: Orphanet 91387, MedGen C4707243, MONDO:0019625.

Allele frequency attached by ClinVar (database versions not stated): gnomAD exomes below 0.00001.
gnomAD v4.1: 2 of 1,612,276 alleles (0.00012%); highest among the groups gnomAD compares: Non-Finnish European, 0.00017%; no homozygotes.

Submissions (4):

Labcorp Genetics (formerly Invitae), Labcorp
Classification: Uncertain significance for Marfan syndrome; Familial thoracic aortic aneurysm and aortic dissection. Last evaluated: 2025-01-07. Review status: criteria provided, single submitter. Criteria: Invitae Variant Classification Sherloc (09022015). Collection method: clinical testing. Allele origin: germline.
Comment: This sequence change replaces valine, which is neutral and non-polar, with isoleucine, which is neutral and non-polar, at codon 1931 of the FBN1 protein (p.Val1931Ile). This variant is not present in population databases (gnomAD no frequency). This variant has not been reported in the literature in individuals affected with FBN1-related conditions. ClinVar contains an entry for this variant (Variation ID: 527199). An algorithm developed to predict the effect of missense changes on protein structure and function (PolyPhen-2) suggests that this variant is likely to be tolerated. In summary, the available evidence is currently insufficient to determine the role of this variant in disease. Therefore, it has been classified as a Variant of Uncertain Significance.

Ambry Genetics
Classification: Uncertain significance for Familial thoracic aortic aneurysm and aortic dissection. Last evaluated: 2022-01-21. Review status: criteria provided, single submitter. Criteria: Ambry Variant Classification Scheme 2023. Collection method: clinical testing. Allele origin: germline.
Comment: The p.V1931I variant (also known as c.5791G>A), located in coding exon 47 of the FBN1 gene, results from a G to A substitution at nucleotide position 5791. The valine at codon 1931 is replaced by isoleucine, an amino acid with highly similar properties. This amino acid position is not well conserved in available vertebrate species. In addition, this alteration is predicted to be tolerated by in silico analysis. Since supporting evidence is limited at this time, the clinical significance of this alteration remains unclear.

Fulgent Genetics
Classification: Uncertain significance for Acromicric dysplasia; Ectopia lentis 1, isolated, autosomal dominant; Marfan syndrome; Stiff skin syndrome; MASS syndrome; Weill-Marchesani syndrome 2, dominant; Geleophysic dysplasia 2; Progeroid and marfanoid aspect-lipodystrophy syndrome. Last evaluated: 2021-09-14. Review status: criteria provided, single submitter. Criteria: ACMG Guidelines, 2015. Collection method: clinical testing. Allele origin: unknown.

Color Diagnostics, LLC DBA Color Health
Classification: Uncertain significance for Familial thoracic aortic aneurysm and aortic dissection. Last evaluated: 2019-06-19. Review status: criteria provided, single submitter. Criteria: ACMG Guidelines, 2015. Collection method: clinical testing. Allele origin: germline.
Comment: This missense variant replaces valine with isoleucine at codon 1931 of the FBN1 protein. Computational prediction tools and conservation analyses are inconclusive regarding the impact of this variant on the protein function. Computational splicing tools suggest that this variant may not impact RNA splicing. To our knowledge, functional assays have not been performed for this variant nor has this variant been reported in individuals affected with cardiovascular disorders in the literature. This variant has not been identified in the general population by the Genome Aggregation Database (gnomAD). Available evidence is insufficient to determine the role of this variant in disease conclusively. Therefore, this variant is classified as a Variant of Uncertain Significance.

NM_000138.5(FBN1):c.5791G>A (p.Val1931Ile)

Gene: FBN1 (fibrillin 1; minus strand). Cytogenetic location: 15q21.1.
Variant type: single nucleotide variant.
Coding change: c.5791G>A on transcript NM_000138.5 (MANE Select); coding-DNA position 5791, G replaced by A.
Protein change: p.Val1931Ile; replaces valine 1931 with isoleucine.
Molecular consequence: missense variant.
Genome position (GRCh38, 1-based): chr15:48,445,502, C>T on the plus strand (G>A on the coding strand, the complement: FBN1 is on the minus strand). VCF-style: chr15-48445502-C-T. GRCh37 (hg19) VCF-style: chr15-48737699-C-T.
Other names: short protein forms V1931I.
Identifiers: ClinVar variation 527199 (VCV000527199.13), dbSNP rs1555395768, ClinGen allele CA392340272.